The following is an entry in ClinVar:

NM_022132.5(MCCC2):c.1103del (p.Gly368fs)

Gene: MCCC2 (methylcrotonyl-CoA carboxylase subunit 2; plus strand). Cytogenetic location: 5q13.2.
Variant type: Deletion.
Coding change: c.1103del on transcript NM_022132.5 (MANE Select); coding-DNA position 1103, one base deleted (G; older notation c.1103delG).
Protein change: p.Gly368fs; shifts the reading frame from glycine 368.
Molecular consequence: frameshift variant.
Genome position (GRCh38, 1-based): chr5:71,643,849, G deleted; the last of 2 consecutive G bases (chr5:71,643,848-71,643,849); deleting either gives the same sequence. VCF-style (leftmost placement, unchanged base first): chr5-71643847-AG-A. GRCh37 (hg19) VCF-style: chr5-70939674-AG-A.
Other names: c.989del, p.Gly330fs (NM_001363147.1); c.1103delG (NM_022132.4); short protein forms G330fs, G368fs.
Identifiers: ClinVar variation 940476 (VCV000940476.13), dbSNP rs756218448, ClinGen allele CA3298028.
Genomic context (GRCh38, chr5:71,643,847, plus strand): 5'-AGACATAAATCTTCTTTGAACTTTCTTTTGAGGATTTGCTCGAATATTTGGGTACCCAGT[AG>A]GTATCGTTGGAAACAACGGAGTTCTCTTTTCTGAATCTGCAAAAAAGGCAAGTACTGTTA-3'

ClinVar aggregate classification (germline): Pathogenic/Likely pathogenic. Review status: criteria provided, multiple submitters, no conflicts (2 of 4 stars). 5 submissions from 5 submitters: Pathogenic (2); Likely pathogenic (2). 1 of the submissions does not count toward it. Last evaluated 2025-07-14.

Conditions:
3-methylcrotonyl-CoA carboxylase 2 deficiency. Also called: METHYLCROTONYLGLYCINURIA, TYPE II; 3 alpha methylcrotonyl-CoA carboxylase 2 deficiency; 3 alpha methylcrotonylglycinuria 2; MCC 2 deficiency; Methylcrotonylglycinuria type 2. Identifiers: Orphanet 6, MedGen C1859499, MONDO:0008862, OMIM 210210.

Submissions (5):

Natera, Inc.
Classification: Pathogenic for 3-methylcrotonyl-CoA carboxylase 2 deficiency. Last evaluated: 2025-07-14. Review status: criteria provided, single submitter. Criteria: Natera Variant Classification Schema (03/2026). Collection method: clinical testing. Allele origin: germline.
Comment: The c.1103delG variant in MCCC2 is a frameshift variant predicted to shift the reading frame beginning at codon 368 and leads to a stop codon 70 codons downstream. This variant is expected to result in nonsense mediated decay, truncation, or a dysfunctional protein product. This variant is rare in the general population with a frequency below the threshold expected for the associated phenotype(s). This variant has been observed in one or more individuals affected with the associated recessive disease, as either homozygous or compound heterozygous with a second variant (PMID: 30904546, 36822454). Given the available evidence, this variant is classified as Pathogenic.

Baylor Genetics
Classification: Likely pathogenic for 3-methylcrotonyl-CoA carboxylase 2 deficiency. Last evaluated: 2024-03-25. Review status: criteria provided, single submitter. Criteria: ACMG Guidelines, 2015. Collection method: clinical testing. Allele origin: unknown.

Labcorp Genetics (formerly Invitae), Labcorp
Classification: Pathogenic for 3-methylcrotonyl-CoA carboxylase 2 deficiency. Last evaluated: 2024-02-29. Review status: criteria provided, single submitter. Criteria: Invitae Variant Classification Sherloc (09022015). Collection method: clinical testing. Allele origin: germline.
Comment: This sequence change creates a premature translational stop signal (p.Gly368Valfs*70) in the MCCC2 gene. It is expected to result in an absent or disrupted protein product. Loss-of-function variants in MCCC2 are known to be pathogenic (PMID: 11181649, 22642865). This variant is present in population databases (rs756218448, gnomAD 0.02%). This variant has not been reported in the literature in individuals affected with MCCC2-related conditions. ClinVar contains an entry for this variant (Variation ID: 940476). For these reasons, this variant has been classified as Pathogenic.

Juno Genomics, Hangzhou Juno Genomics, Inc
Classification: Likely pathogenic for 3-methylcrotonyl-CoA carboxylase 2 deficiency. Review status: criteria provided, single submitter. Criteria: ACMG Guidelines, 2015. Collection method: clinical testing. Allele origin: germline.
Comment: Null variant in a gene where loss of function (LOF) is a known mechanism of disease.;Absent from controls (or at extremely low frequency if recessive) in Genome Aggregation Database.

Neonatal Disease Screening Center, Medical Genetics Center, Huaihua City Maternal and Child Health Care Hospital
Classification: Pathogenic for 3-methylcrotonyl-CoA carboxylase 2 deficiency. Review status: no assertion criteria provided. Criteria: ACMG Guidelines, 2015. Collection method: clinical testing. Allele origin: germline. Affected: yes. Observed: 1 variant allele. Not counted in ClinVar's aggregate classification.
Comment: PVS1+PM2_P+PM3

Literature cited by the submitters: PubMed 30904546 (cited by Natera, Inc.); PubMed 36822454 (cited by Natera, Inc.); PubMed 11181649 (cited by Labcorp Genetics (formerly Invitae), Labcorp); PubMed 22642865 (cited by Labcorp Genetics (formerly Invitae), Labcorp).